The following is an entry in ClinVar:

ClinVar aggregate classification (germline): Likely benign (1 of 4 stars; one submission).

Submission:

GeneDx
Classification: Likely benign. Last evaluated: 2017-01-13. Review status: criteria provided, single submitter. Criteria: GeneDx Variant Classification (06012015). Collection method: clinical testing. Allele origin: germline. Affected: yes.
Comment: This variant is considered likely benign or benign based on one or more of the following criteria: it is a conservative change, it occurs at a poorly conserved position in the protein, it is predicted to be benign by multiple in silico algorithms, and/or has population frequency not consistent with disease.

NM_001130438.3(SPTAN1):c.5358-5T>A

Gene: SPTAN1 (spectrin alpha, non-erythrocytic 1; plus strand). Cytogenetic location: 9q34.11.
Variant type: single nucleotide variant.
Coding change: c.5358-5T>A on transcript NM_001130438.3 (MANE Select); 5 bases into the intron before coding-DNA position 5358, T replaced by A.
Molecular consequence: intron variant.
Genome position (GRCh38, 1-based): chr9:128,617,635, T>A. VCF-style: chr9-128617635-T-A. GRCh37 (hg19) VCF-style: chr9-131379914-T-A.
Other names: c.5358-5T>A (NM_001363759.2); c.5343-5T>A (NM_003127.4); c.5298-5T>A (NM_001363765.2); c.5283-5T>A (NM_001195532.2).
Identifiers: ClinVar variation 392670 (VCV000392670.1), dbSNP rs1057524585, ClinGen allele CA16605615.